The following is an entry in ClinVar:

NM_030962.4(SBF2):c.4919C>G (p.Thr1640Ser)

Genes: SBF2 (SET binding factor 2; minus strand), SBF2-AS1 (SBF2 antisense RNA 1; plus strand), LOC105369149 (uncharacterized LOC105369149; plus strand). Cytogenetic location: 11p15.4.
Variant type: single nucleotide variant.
Coding change: c.4919C>G on transcript NM_030962.4 (MANE Select); coding-DNA position 4919, C replaced by G.
Protein change: p.Thr1640Ser; replaces threonine 1640 with serine.
Molecular consequence: missense variant.
Genome position (GRCh38, 1-based): chr11:9,789,122, G>C on the plus strand (C>G on the coding strand, the complement: SBF2 is on the minus strand). VCF-style: chr11-9789122-G-C. GRCh37 (hg19) VCF-style: chr11-9810669-G-C.
Other names: c.5015C>G, p.Thr1672Ser (NM_001386339.1); c.4790C>G, p.Thr1597Ser (NM_001386342.1); c.4955C>G, p.Thr1652Ser (NM_001424318.1, NM_001425070.1); c.4814C>G, p.Thr1605Ser (NM_001425069.1); short protein forms T1597S, T1605S, T1640S, T1652S, T1672S.
Identifiers: ClinVar variation 4682296 (VCV004682296.2).

ClinVar aggregate classification (germline): Uncertain significance. Review status: criteria provided, multiple submitters, no conflicts (2 of 4 stars). 2 submissions from 2 submitters: Uncertain significance (2). Last evaluated 2025-10-29.

Conditions:
SBF2-related disorder. Also called: SBF2-related condition.

gnomAD v4.1: 4 of 1,614,112 alleles (0.00025%); highest among the groups gnomAD compares: Non-Finnish European, 0.00034%; no homozygotes.

Submissions (2):

Athena Diagnostics
Classification: Uncertain significance. Last evaluated: 2025-10-29. Review status: criteria provided, single submitter. Criteria: Athena Diagnostics Criteria. Collection method: clinical testing. Allele origin: unknown.
Comment: Available data are insufficient to determine the clinical significance of the variant at this time. The frequency of this variant in the general population is uninformative in assessment of its pathogenicity. Polyphen and MutationTaster predict this amino acid change may be benign.

PreventionGenetics, part of Exact Sciences
Classification: Uncertain significance for SBF2-related condition. Last evaluated: 2025-07-07. Review status: criteria provided, single submitter. Criteria: ACMG Guidelines, 2015. Collection method: clinical testing. Allele origin: germline.
Comment: The SBF2 c.4919C>G variant is predicted to result in the amino acid substitution p.Thr1640Ser. To our knowledge, this variant has not been reported in the literature. This variant is reported in 0.00088% of alleles in individuals of European (Non-Finnish) descent in gnomAD. At this time, the clinical significance of this variant is uncertain due to the absence of conclusive functional and genetic evidence.